The following is an entry in ClinVar:

NM_031407.7(HUWE1):c.5884+3A>G

Gene: HUWE1 (HECT, UBA and WWE domain containing E3 ubiquitin protein ligase 1; minus strand). Cytogenetic location: Xp11.22.
Variant type: single nucleotide variant.
Coding change: c.5884+3A>G on transcript NM_031407.7 (MANE Select); 3 bases into the intron after coding-DNA position 5884, A replaced by G.
Molecular consequence: intron variant.
Genome position (GRCh38, 1-based): chrX:53,576,897, T>C on the plus strand (A>G on the coding strand, the complement: HUWE1 is on the minus strand). VCF-style: chrX-53576897-T-C. GRCh37 (hg19) VCF-style: chrX-53603857-T-C.
Identifiers: ClinVar variation 1321272 (VCV001321272.1), dbSNP rs2148030893, ClinGen allele CA2573055368.
Genomic context (GRCh38, chrX:53,576,897, plus strand): 5'-ATGACCCAGGCAAAGTAACATATCCTCTAGTGCCCAGCCTCCTGAGGTAGGCTAGCCACA[T>C]ACCTTCCTCTGGAGCATGGTATGCAGCCAGAGCATTCAGCATATCATAGATCACTTCCTT-3'

ClinVar aggregate classification (germline): Uncertain significance (1 of 4 stars; one submission).

Conditions:
Intellectual developmental disorder, X-linked, syndromic, Turner type. Also called: Intellectual disability, X-linked syndromic, Turner type; X-linked intellectual disability, Turner type. Identifiers: Orphanet 3056, Orphanet 85328, MedGen C2678046, MONDO:0010407, OMIM 309590.

Submission:

3billion
Classification: Uncertain significance for Intellectual developmental disorder, X-linked, syndromic, Turner type. Last evaluated: 2021-10-25. Review status: criteria provided, single submitter. Criteria: ACMG Guidelines, 2015. Collection method: clinical testing. Allele origin: unknown. Affected: yes. Observed: 1 hemizygote.
Comment: This varant is not observed in the gnomAD v2.1.1 dataset (PM2). This variant is classified as uncertain significance according to the recommendation of ACMG/AMP guideline.